The following is an entry in ClinVar:

ClinVar aggregate classification (germline): Uncertain significance. Review status: criteria provided, multiple submitters, no conflicts (2 of 4 stars). 3 submissions from 3 submitters: Uncertain significance (3). Last evaluated 2025-10-01.

Allele frequency attached by ClinVar (database versions not stated): gnomAD 0.00035; gnomAD exomes 0.00041 and 0.00022; TOPMed 0.00022; ESP Exome Variant Server 0.00054; ExAC 0.00024.
gnomAD v4.1: 636 of 1,613,954 alleles (0.039%); highest among the groups gnomAD compares: Non-Finnish European, 0.052%; no homozygotes.

Submissions (3):

Mayo Clinic Laboratories, Mayo Clinic
Classification: Uncertain significance. Last evaluated: 2025-10-01. Review status: criteria provided, single submitter. Criteria: ACMG Guidelines, 2015. Collection method: clinical testing. Allele origin: germline. Observed: 2 variant alleles.

Labcorp Genetics (formerly Invitae), Labcorp
Classification: Uncertain significance. Last evaluated: 2022-11-03. Review status: criteria provided, single submitter. Criteria: Invitae Variant Classification Sherloc (09022015). Collection method: clinical testing. Allele origin: germline.
Comment: This sequence change replaces arginine, which is basic and polar, with tryptophan, which is neutral and slightly polar, at codon 3267 of the VPS13D protein (p.Arg3267Trp). This variant is present in population databases (rs140427465, gnomAD 0.05%). This variant has not been reported in the literature in individuals affected with VPS13D-related conditions. ClinVar contains an entry for this variant (Variation ID: 560297). Advanced modeling of protein sequence and biophysical properties (such as structural, functional, and spatial information, amino acid conservation, physicochemical variation, residue mobility, and thermodynamic stability) performed at Invitae indicates that this missense variant is expected to disrupt VPS13D protein function. In summary, the available evidence is currently insufficient to determine the role of this variant in disease. Therefore, it has been classified as a Variant of Uncertain Significance.

Geisinger Autism and Developmental Medicine Institute, Geisinger Health System
Classification: Uncertain significance. Last evaluated: 2017-08-26. Review status: criteria provided, single submitter. Criteria: ACMG Guidelines, 2015. Collection method: provider interpretation, clinical testing. Allele origin: paternal. Observed: 1 variant allele.
Comment: At the time of report, the VPS13D gene had no clear association with human disease, although a de novo variant has been reported in a single individual with schizophrenia (McCarthy, 2014). The p.Arg3267Trp variant is present at 0.02% in the gnomAD dataset. Computational models predict the variant to be damaging.

Literature cited by the submitters: PubMed 24776741 (cited by Geisinger Autism and Developmental Medicine Institute, Geisinger Health System).

NM_015378.4(VPS13D):c.9799C>T (p.Arg3267Trp)

Gene: VPS13D (vacuolar protein sorting 13 homolog D; plus strand). Cytogenetic location: 1p36.22.
Variant type: single nucleotide variant.
Coding change: c.9799C>T on transcript NM_015378.4 (MANE Select); coding-DNA position 9799, C replaced by T.
Protein change: p.Arg3267Trp; replaces arginine 3267 with tryptophan.
Molecular consequence: missense variant.
Genome position (GRCh38, 1-based): chr1:12,356,018, C>T. VCF-style: chr1-12356018-C-T. GRCh37 (hg19) VCF-style: chr1-12416075-C-T.
Other names: p.Arg3267Trp; c.9724C>T, p.Arg3242Trp (NM_018156.4); c.9799C>T, p.Arg3267Trp (LRG_1213t1); short protein forms R3267W, R3242W.
Identifiers: ClinVar variation 560297 (VCV000560297.7), dbSNP rs140427465, ClinGen allele CA603510.